The following is an entry in ClinVar:

NM_000083.3(CLCN1):c.979+1G>T

Gene: CLCN1 (chloride voltage-gated channel 1; plus strand). Cytogenetic location: 7q34.
Variant type: single nucleotide variant.
Coding change: c.979+1G>T on transcript NM_000083.3 (MANE Select); the canonical splice donor site of the intron after coding-DNA position 979, G replaced by T.
Molecular consequence: splice donor variant.
Genome position (GRCh38, 1-based): chr7:143,330,898, G>T. VCF-style: chr7-143330898-G-T. GRCh37 (hg19) VCF-style: chr7-143027991-G-T.
Identifiers: ClinVar variation 932027 (VCV000932027.3), dbSNP rs1563078827, ClinGen allele CA369641754.

ClinVar aggregate classification (germline): Pathogenic (1 of 4 stars; one submission).

Conditions:
Congenital myotonia, autosomal recessive form. Also called: Becker Generalized Myotonia; myotonia congenita, autosomal recessive; BECKER DISEASE. Identifiers: Orphanet 614, MedGen C0751360, MONDO:0009715, OMIM 255700.

Submission:

Centre for Mendelian Genomics, University Medical Centre Ljubljana
Classification: Pathogenic for Congenital myotonia, autosomal recessive form. Last evaluated: 2016-01-01. Review status: criteria provided, single submitter. Criteria: ACMG Guidelines, 2015. Collection method: clinical testing. Allele origin: unknown. Affected: yes.
Comment: This variant was classified as: Pathogenic. The following ACMG criteria were applied in classifying this variant: PVS1,PM2,PP3.